The following is an entry in ClinVar:

ClinVar aggregate classification (germline): Uncertain significance (1 of 4 stars; one submission).

Allele frequency attached by ClinVar (database versions not stated): gnomAD exomes below 0.00001.
gnomAD v4.1: 3 of 1,611,398 alleles (0.00019%); highest among the groups gnomAD compares: Non-Finnish European, 0.000085%; no homozygotes.

Submission:

GeneDx
Classification: Uncertain significance. Last evaluated: 2022-01-14. Review status: criteria provided, single submitter. Criteria: GeneDx Variant Classification Process June 2021. Collection method: clinical testing. Allele origin: germline. Affected: yes.
Comment: Not observed at significant frequency in large population cohorts (gnomAD); In silico analysis supports that this missense variant has a deleterious effect on protein structure/function; Has not been previously published as pathogenic or benign to our knowledge

NM_013296.5(GPSM2):c.286G>A (p.Gly96Arg)

Gene: GPSM2 (G protein signaling modulator 2; plus strand). Cytogenetic location: 1p13.3.
Variant type: single nucleotide variant.
Coding change: c.286G>A on transcript NM_013296.5 (MANE Select); coding-DNA position 286, G replaced by A.
Protein change: p.Gly96Arg; replaces glycine 96 with arginine.
Molecular consequence: missense variant.
Genome position (GRCh38, 1-based): chr1:108,897,499, G>A. VCF-style: chr1-108897499-G-A. GRCh37 (hg19) VCF-style: chr1-109440121-G-A.
Other names: c.286G>A, p.Gly96Arg (NM_001321038.2, NM_001321039.3); short protein forms G96R.
Identifiers: ClinVar variation 1697175 (VCV001697175.2), dbSNP rs1160781980, ClinGen allele CA341456913.
Genomic context (GRCh38, chr1:108,897,499, plus strand): 5'-TTTGTATTTTAATACCATTTGGTTTTTTGTTTTTTGTTTTTTGTTTTTTTCAGGACTATT[G>A]GAGACCAGCTGGGGGAAGCGAAAGCTAGTGGTAATCTGGGAAACACCTTAAAAGTTCTTG-3'
Protein context (NP_037428.3, residues 86-106): HHDLTLARTI[Gly96Arg]DQLGEAKASG